The following is an entry in ClinVar:

ClinVar aggregate classification (germline): Uncertain significance (1 of 4 stars; one submission).

gnomAD v4.1: 1 of 1,614,186 alleles (0.000062%); highest among the groups gnomAD compares: Admixed American, 0.0017%; no homozygotes.

Submission:

Labcorp Genetics (formerly Invitae), Labcorp
Classification: Uncertain significance. Last evaluated: 2025-06-15. Review status: criteria provided, single submitter. Criteria: Invitae Variant Classification Sherloc (09022015). Collection method: clinical testing. Allele origin: germline.
Comment: This sequence change replaces lysine, which is basic and polar, with glutamic acid, which is acidic and polar, at codon 1203 of the SETBP1 protein (p.Lys1203Glu). This variant is present in population databases (no rsID available, gnomAD 0.003%). This variant has not been reported in the literature in individuals affected with SETBP1-related conditions. Invitae Evidence Modeling of protein sequence and biophysical properties (such as structural, functional, and spatial information, amino acid conservation, physicochemical variation, residue mobility, and thermodynamic stability) has been performed for this missense variant. However, the output from this modeling did not meet the statistical confidence thresholds required to predict the impact of this variant on SETBP1 protein function. In summary, the available evidence is currently insufficient to determine the role of this variant in disease. Therefore, it has been classified as a Variant of Uncertain Significance.

NM_015559.3(SETBP1):c.3607A>G (p.Lys1203Glu)

Gene: SETBP1 (SET binding protein 1; plus strand). Cytogenetic location: 18q12.3.
Variant type: single nucleotide variant.
Coding change: c.3607A>G on transcript NM_015559.3 (MANE Select); coding-DNA position 3607, A replaced by G.
Protein change: p.Lys1203Glu; replaces lysine 1203 with glutamic acid.
Molecular consequence: missense variant.
Genome position (GRCh38, 1-based): chr18:44,952,947, A>G. VCF-style: chr18-44952947-A-G. GRCh37 (hg19) VCF-style: chr18-42532912-A-G.
Other names: c.3607A>G, p.Lys1203Glu (NM_001379141.1, NM_001379142.1, NM_001410862.1); short protein forms K1203E.
Identifiers: ClinVar variation 4736998 (VCV004736998.1).